The following is an entry in ClinVar:

GRCh37/hg19 15q11.2-13.1(chr15:23670891-28561671)x1

Genes: ATP10A (ATPase phospholipid transporting 10A (putative); minus strand), GABRA5 (gamma-aminobutyric acid type A receptor subunit alpha5; plus strand), GABRB3 (gamma-aminobutyric acid type A receptor subunit beta3; minus strand), GABRG3 (gamma-aminobutyric acid type A receptor subunit gamma3; plus strand), GOLGA6L2 (golgin A6 family like 2; minus strand) and 19 more. Cytogenetic location: 15q11.2-13.1.
Variant type: copy number loss.
Change: copy number 1 (one copy instead of two) of chr15:23,670,891-28,561,671 (4.89 Mb, GRCh37 coordinates, 1-based), cytogenetic band 15q11.2-13.1.
Identifiers: ClinVar variation 1807745 (VCV001807745.1).

ClinVar aggregate classification (germline): Pathogenic (1 of 4 stars; one submission).

Submission:

Quest Diagnostics Nichols Institute San Juan Capistrano
Classification: Pathogenic. Last evaluated: 2021-08-24. Review status: criteria provided, single submitter. Criteria: ACMG/ClinGen CNV Guidelines, 2019. Collection method: clinical testing. Allele origin: unknown.
Comment: The 15q11q13 recurrent deletion interval (BP2-BP3) of the Prader-Willi/Angelman critical region includes several imprinted genes, including paternally expressed SNRPN and maternally expressed UBE3A. This deletion is consistent with either Angelman (AS; OMIM 105830) or Prader-Willi (PWS; OMIM 176270) syndrome, depending on the parent of origin for the deleted chromosome 15 segment. See GeneReviews for additional information and references regarding Angelman Syndrome or Prader-Willi syndrome.